The following is an entry in ClinVar:

ClinVar aggregate classification (germline): Uncertain significance (1 of 4 stars; one submission).

Conditions:
Werner syndrome (WRN). Identifiers: Orphanet 902, MedGen C0043119, MONDO:0010196, OMIM 277700.

Allele frequency attached by ClinVar (database versions not stated): gnomAD exomes below 0.00001.
gnomAD v4.1: 1 of 1,613,786 alleles (0.000062%); highest among the groups gnomAD compares: Admixed American, 0.0017%; no homozygotes.

Submission:

Labcorp Genetics (formerly Invitae), Labcorp
Classification: Uncertain significance for Werner syndrome. Last evaluated: 2020-05-23. Review status: criteria provided, single submitter. Criteria: Invitae Variant Classification Sherloc (09022015). Collection method: clinical testing. Allele origin: germline.
Comment: This sequence change replaces glutamine with histidine at codon 22 of the WRN protein (p.Gln22His). The glutamine residue is moderately conserved and there is a small physicochemical difference between glutamine and histidine. This variant is not present in population databases (ExAC no frequency). This variant has not been reported in the literature in individuals with WRN-related conditions. Algorithms developed to predict the effect of missense changes on protein structure and function are either unavailable or do not agree on the potential impact of this missense change (SIFT: Not Available; PolyPhen-2: Benign; Align-GVGD: Not Available). In summary, the available evidence is currently insufficient to determine the role of this variant in disease. Therefore, it has been classified as a Variant of Uncertain Significance.

NM_000553.6(WRN):c.66G>T (p.Gln22His)

Gene: WRN (WRN RecQ like helicase; plus strand). Cytogenetic location: 8p12.
Variant type: single nucleotide variant.
Coding change: c.66G>T on transcript NM_000553.6 (MANE Select); coding-DNA position 66, G replaced by T.
Protein change: p.Gln22His; replaces glutamine 22 with histidine.
Molecular consequence: missense variant.
Genome position (GRCh38, 1-based): chr8:31,058,513, G>T. VCF-style: chr8-31058513-G-T. GRCh37 (hg19) VCF-style: chr8-30916029-G-T.
Other names: short protein forms Q22H.
Identifiers: ClinVar variation 1059058 (VCV001059058.1), dbSNP rs1812361355, ClinGen allele CA370912224.